The following is an entry in ClinVar:

ClinVar aggregate classification (germline): Likely benign (1 of 4 stars; one submission).

Allele frequency attached by ClinVar (database versions not stated): ExAC 0.00005; gnomAD exomes 0.00005; gnomAD 0.00006; ESP Exome Variant Server 0.00008; 1000 Genomes Project 30x 0.00016; 1000 Genomes Project 0.00020.
gnomAD v4.1: 85 of 1,611,718 alleles (0.0053%); highest among the groups gnomAD compares: South Asian, 0.011%; no homozygotes.

Submission:

CeGaT Center for Human Genetics Tuebingen
Classification: Likely benign. Last evaluated: 2023-03-01. Review status: criteria provided, single submitter. Criteria: CeGaT Center For Human Genetics Tuebingen Variant Classification Criteria Version 2. Collection method: clinical testing. Allele origin: germline. Affected: yes. Observed: 1 variant allele.
Comment: ASCC3: BP4, BP7

NM_006828.4(ASCC3):c.1431C>G (p.Leu477=)

Gene: ASCC3 (activating signal cointegrator 1 complex subunit 3; minus strand). Cytogenetic location: 6q16.3.
Variant type: single nucleotide variant.
Coding change: c.1431C>G on transcript NM_006828.4 (MANE Select); coding-DNA position 1431, C replaced by G.
Protein change: p.Leu477=; no amino-acid change (leucine 477 retained).
Molecular consequence: synonymous variant.
Genome position (GRCh38, 1-based): chr6:100,767,310, G>C on the plus strand (C>G on the coding strand, the complement: ASCC3 is on the minus strand). VCF-style: chr6-100767310-G-C. GRCh37 (hg19) VCF-style: chr6-101215186-G-C.
Other names: c.1431C>G, p.Leu477= (NM_001284271.2).
Identifiers: ClinVar variation 2656785 (VCV002656785.24), dbSNP rs199690140, ClinGen allele CA3938807.